The following is an entry in ClinVar:

ClinVar aggregate classification (germline): Likely benign (1 of 4 stars; one submission).

Allele frequency attached by ClinVar (database versions not stated): gnomAD exomes 0.00001; TOPMed 0.00001; gnomAD 0.00002.
gnomAD v4.1: 18 of 1,209,959 alleles (0.0015%); highest among the groups gnomAD compares: Middle Eastern, 0.023%; no homozygotes.

Submission:

CeGaT Center for Human Genetics Tuebingen
Classification: Likely benign. Last evaluated: 2023-03-01. Review status: criteria provided, single submitter. Criteria: CeGaT Center For Human Genetics Tuebingen Variant Classification Criteria Version 2. Collection method: clinical testing. Allele origin: germline. Affected: yes. Observed: 1 variant allele.
Comment: DNASE1L1: BS2

NM_001303620.2(DNASE1L1):c.300G>A (p.Val100=)

Gene: DNASE1L1 (deoxyribonuclease 1 like 1; minus strand). Cytogenetic location: Xq28.
Variant type: single nucleotide variant.
Coding change: c.300G>A on transcript NM_001303620.2 (MANE Select); coding-DNA position 300, G replaced by A.
Protein change: p.Val100=; no amino-acid change (valine 100 retained).
Molecular consequence: synonymous variant.
Genome position (GRCh38, 1-based): chrX:154,404,839, C>T on the plus strand (G>A on the coding strand, the complement: DNASE1L1 is on the minus strand). VCF-style: chrX-154404839-C-T. GRCh37 (hg19) VCF-style: chrX-153633180-C-T.
Other names: c.300G>A, p.Val100= (NM_001009932.3, NM_001009933.3, NM_001009934.3 and 1 more transcripts).
Identifiers: ClinVar variation 2661804 (VCV002661804.24), dbSNP rs1037764196, ClinGen allele CA337300065.
Genomic context (GRCh38, chrX:154,404,839, plus strand): 5'-GGGCCAAGGACCGCCCCCCACCCTGCTGCGCTGCCAGCTCCGTGCTCACCGATAGAAGTA[C>T]ACATACGTCTCCATGTAGGTGCTGCGCCCCAGCTGGGGGCTGCTCAGGGTGCTGTAGGGC-3'
Protein context (NP_001290549.1, residues 90-110): LGRSTYMETY[Val100=]YFYRSHKTQV